The following is an entry in ClinVar:

ClinVar aggregate classification (germline): Uncertain significance (1 of 4 stars; one submission).

Conditions:
Aortic valve disease 2 (AOVD2). Identifiers: MedGen C3542024, MONDO:0013902, OMIM 614823.

Submission:

Labcorp Genetics (formerly Invitae), Labcorp
Classification: Uncertain significance for Aortic valve disease 2. Last evaluated: 2023-01-25. Review status: criteria provided, single submitter. Criteria: Invitae Variant Classification Sherloc (09022015). Collection method: clinical testing. Allele origin: germline.
Comment: This sequence change replaces proline, which is neutral and non-polar, with serine, which is neutral and polar, at codon 347 of the TBX5 protein (p.Pro347Ser). This variant is not present in population databases (gnomAD no frequency). In summary, the available evidence is currently insufficient to determine the role of this variant in disease. Therefore, it has been classified as a Variant of Uncertain Significance. Advanced modeling of protein sequence and biophysical properties (such as structural, functional, and spatial information, amino acid conservation, physicochemical variation, residue mobility, and thermodynamic stability) performed at Invitae indicates that this missense variant is not expected to disrupt TBX5 protein function. This variant has not been reported in the literature in individuals affected with TBX5-related conditions.

NM_181486.4(TBX5):c.1039C>T (p.Pro347Ser)

Gene: TBX5 (T-box transcription factor 5; minus strand). Cytogenetic location: 12q24.21.
Variant type: single nucleotide variant.
Coding change: c.1039C>T on transcript NM_181486.4 (MANE Select); coding-DNA position 1039, C replaced by T.
Protein change: p.Pro347Ser; replaces proline 347 with serine.
Molecular consequence: missense variant.
Genome position (GRCh38, 1-based): chr12:114,356,050, G>A on the plus strand (C>T on the coding strand, the complement: TBX5 is on the minus strand). VCF-style: chr12-114356050-G-A. GRCh37 (hg19) VCF-style: chr12-114793855-G-A.
Other names: c.1039C>T, p.Pro347Ser (NM_000192.3); c.889C>T, p.Pro297Ser (NM_080717.4); short protein forms P297S, P347S.
Identifiers: ClinVar variation 2811976 (VCV002811976.3), dbSNP rs778011764, ClinGen allele CA386925923.
Genomic context (GRCh38, chr12:114,356,050, plus strand): 5'-AGGCACCCAGGCCCTGCTGCTGTGGATAGCTAGAGCGGTAGAAGGAATCTTCTTCACTGG[G>A]TGATGTCTCCATGTAGGGCTTCTTATAGGGATGGTCTGTGGTGGAACATTCTTCCTCTGT-3'
Protein context (NP_852259.1, residues 337-357): PYKKPYMETS[Pro347Ser]SEEDSFYRSS